The following is an entry in ClinVar:

NM_000326.5(RLBP1):c.662G>A (p.Arg221Lys)

Gene: RLBP1 (retinaldehyde binding protein 1; minus strand). Cytogenetic location: 15q26.1.
Variant type: single nucleotide variant.
Coding change: c.662G>A on transcript NM_000326.5 (MANE Select); coding-DNA position 662, G replaced by A.
Protein change: p.Arg221Lys; replaces arginine 221 with lysine.
Molecular consequence: missense variant.
Genome position (GRCh38, 1-based): chr15:89,211,765, C>T on the plus strand (G>A on the coding strand, the complement: RLBP1 is on the minus strand). VCF-style: chr15-89211765-C-T. GRCh37 (hg19) VCF-style: chr15-89754996-C-T.
Other names: short protein forms R221K.
Identifiers: ClinVar variation 853556 (VCV000853556.7), dbSNP rs926048242, ClinGen allele CA274532601.

ClinVar aggregate classification (germline): Uncertain significance (1 of 4 stars; one submission).

Allele frequency attached by ClinVar (database versions not stated): gnomAD 0.00001; TOPMed 0.00002.
gnomAD v4.1: 2 of 1,613,908 alleles (0.00012%); highest among the groups gnomAD compares: African/African-American, 0.0027%; no homozygotes.

Submission:

Labcorp Genetics (formerly Invitae), Labcorp
Classification: Uncertain significance. Last evaluated: 2022-07-16. Review status: criteria provided, single submitter. Criteria: Invitae Variant Classification Sherloc (09022015). Collection method: clinical testing. Allele origin: germline.
Comment: This sequence change replaces arginine, which is basic and polar, with lysine, which is basic and polar, at codon 221 of the RLBP1 protein (p.Arg221Lys). This variant is not present in population databases (gnomAD no frequency). This variant has not been reported in the literature in individuals affected with RLBP1-related conditions. ClinVar contains an entry for this variant (Variation ID: 853556). Algorithms developed to predict the effect of missense changes on protein structure and function output the following: SIFT: "Tolerated"; PolyPhen-2: "Benign"; Align-GVGD: "Class C0". The lysine amino acid residue is found in multiple mammalian species, which suggests that this missense change does not adversely affect protein function. In summary, the available evidence is currently insufficient to determine the role of this variant in disease. Therefore, it has been classified as a Variant of Uncertain Significance.